The following is an entry in ClinVar:

ClinVar aggregate classification (germline): Pathogenic. Review status: criteria provided, single submitter (1 of 4 stars). 4 submissions from 4 submitters: Pathogenic (1). 3 of the submissions do not count toward it. Last evaluated 2022-04-08.

Conditions:
Olmsted syndrome 1. Identifiers: Orphanet 659, MedGen C5542829, MONDO:0100296, OMIM 614594.

Submissions (4):

Labcorp Genetics (formerly Invitae), Labcorp
Classification: Pathogenic. Last evaluated: 2022-04-08. Review status: criteria provided, single submitter. Criteria: Invitae Variant Classification Sherloc (09022015). Collection method: clinical testing. Allele origin: germline.
Comment: For these reasons, this variant has been classified as Pathogenic. This variant disrupts the p.Gly573 amino acid residue in TRPV3. Other variant(s) that disrupt this residue have been determined to be pathogenic (PMID: 27273692). This suggests that this residue is clinically significant, and that variants that disrupt this residue are likely to be disease-causing. Advanced modeling of protein sequence and biophysical properties (such as structural, functional, and spatial information, amino acid conservation, physicochemical variation, residue mobility, and thermodynamic stability) performed at Invitae indicates that this missense variant is expected to disrupt TRPV3 protein function. ClinVar contains an entry for this variant (Variation ID: 30636). This missense change has been observed in individual(s) with Olmsted syndrome (PMID: 22405088). In at least one individual the variant was observed to be de novo. This variant is not present in population databases (gnomAD no frequency). This sequence change replaces glycine, which is neutral and non-polar, with serine, which is neutral and polar, at codon 573 of the TRPV3 protein (p.Gly573Ser).

OMIM
Classification: Pathogenic for OLMSTED SYNDROME 1. Last evaluated: 2012-03-09. Review status: no assertion criteria provided. Collection method: literature only. Allele origin: germline. Not counted in ClinVar's aggregate classification.

Lab of Dermatology, Peking University First Hospital
Classification: Pathogenic. Review status: no assertion criteria provided. Collection method: not provided. Allele origin: germline. Not counted in ClinVar's aggregate classification.
Comment: Olmsted Syndrome
ClinVar note: Converted during submission from pathogenic to Pathogenic.

UniProtKB/Swiss-Prot
No classification provided. Review status: no classification provided. Collection method: not provided. Allele origin: not provided. Not counted in ClinVar's aggregate classification.

Literature cited by the submitters: PubMed 27273692 (cited by Labcorp Genetics (formerly Invitae), Labcorp); PubMed 22405088 (cited by Labcorp Genetics (formerly Invitae), Labcorp and OMIM).

NM_145068.4(TRPV3):c.1717G>A (p.Gly573Ser)

Gene: TRPV3 (transient receptor potential cation channel subfamily V member 3; minus strand). Cytogenetic location: 17p13.2.
Variant type: single nucleotide variant.
Coding change: c.1717G>A on transcript NM_145068.4 (MANE Select); coding-DNA position 1717, G replaced by A.
Protein change: p.Gly573Ser; replaces glycine 573 with serine.
Molecular consequence: missense variant.
Genome position (GRCh38, 1-based): chr17:3,524,224, C>T on the plus strand (G>A on the coding strand, the complement: TRPV3 is on the minus strand). VCF-style: chr17-3524224-C-T. GRCh37 (hg19) VCF-style: chr17-3427518-C-T.
Other names: c.1717G>A, p.Gly573Ser (NM_001258205.2); short protein forms G573S.
Identifiers: ClinVar variation 30636 (VCV000030636.8), dbSNP rs199473704, ClinGen allele CA129383.